The following is an entry in ClinVar:

ClinVar aggregate classification (germline): Pathogenic (1 of 4 stars; one submission).

Conditions:
Duchenne muscular dystrophy (DMD). Also called: MUSCULAR DYSTROPHY, PSEUDOHYPERTROPHIC PROGRESSIVE, DUCHENNE TYPE; Duchenne Muscular Dystrophy (DMD). Identifiers: Orphanet 98896, MedGen C0013264, MONDO:0010679, OMIM 310200.

Submission:

Labcorp Genetics (formerly Invitae), Labcorp
Classification: Pathogenic for Duchenne muscular dystrophy. Last evaluated: 2024-07-01. Review status: criteria provided, single submitter. Criteria: Invitae Variant Classification Sherloc (09022015). Collection method: clinical testing. Allele origin: germline.
Comment: This sequence change creates a premature translational stop signal (p.Asn1537Lysfs*6) in the DMD gene. It is expected to result in an absent or disrupted protein product. Loss-of-function variants in DMD are known to be pathogenic (PMID: 16770791, 25007885). This variant is not present in population databases (gnomAD no frequency). This premature translational stop signal has been observed in individual(s) with DMD-related conditions (Invitae). ClinVar contains an entry for this variant (Variation ID: 643482). For these reasons, this variant has been classified as Pathogenic.

Literature cited by the submitters: PubMed 16770791; PubMed 25007885.

NM_004006.3(DMD):c.4610dup (p.Asn1537fs)

Gene: DMD (dystrophin; minus strand). Cytogenetic location: Xp21.1.
Variant type: Duplication.
Coding change: c.4610dup on transcript NM_004006.3 (MANE Select); coding-DNA position 4610, one base duplicated (A; older notation c.4610dupA).
Protein change: p.Asn1537fs; shifts the reading frame from asparagine 1537.
Molecular consequence: frameshift variant.
Genome position (GRCh38, 1-based): chrX:32,386,374, T duplicated on the plus strand (A on the coding strand, the reverse complement: DMD is on the minus strand); the first of 4 consecutive T bases (chrX:32,386,374-32,386,377); duplicating any one gives the same sequence. VCF-style (leftmost placement, unchanged base first): chrX-32386373-A-AT. GRCh37 (hg19) VCF-style: chrX-32404490-A-AT.
Other names: c.4586dup, p.Asn1529fs (NM_000109.4); c.4598dup, p.Asn1533fs (NM_004009.3); c.4241dup, p.Asn1414fs (NM_004010.3); c.587dup, p.Asn196fs (NM_004011.4); c.578dup, p.Asn193fs (NM_004012.4); short protein forms N1533fs, N193fs, N1414fs, N1529fs, N196fs, N1537fs.
Identifiers: ClinVar variation 643482 (VCV000643482.11), dbSNP rs1603632245, ClinGen allele CA915950970.
Genomic context (GRCh38, chrX:32,386,373, plus strand): 5'-TGCTCCCAGCTCATTATAATGCAATTTCAAAGCTGTTACTCTTTCATCAAGTTCTTTGGG[A>AT]TTTTCCGTCTGCTTTTTCTGTACAATCTGACGTCCAGTCTTTATCACCATTTCCACTTCA-3'